The following is an entry in ClinVar:

NM_001365951.3(KIF1B):c.5364C>A (p.Asn1788Lys)

Gene: KIF1B (kinesin family member 1B; plus strand). Cytogenetic location: 1p36.22.
Variant type: single nucleotide variant.
Coding change: c.5364C>A on transcript NM_001365951.3 (MANE Select); coding-DNA position 5364, C replaced by A.
Protein change: p.Asn1788Lys; replaces asparagine 1788 with lysine.
Molecular consequence: missense variant.
Genome position (GRCh38, 1-based): chr1:10,375,329, C>A. VCF-style: chr1-10375329-C-A. GRCh37 (hg19) VCF-style: chr1-10435387-C-A.
Other names: c.5364C>A, p.Asn1788Lys (NM_001365952.1); c.5226C>A, p.Asn1742Lys (NM_015074.3); short protein forms N1742K, N1788K.
Identifiers: ClinVar variation 1746176 (VCV001746176.2), dbSNP rs146120509, ClinGen allele CA338331961.

ClinVar aggregate classification (germline): Uncertain significance (1 of 4 stars; one submission).

Submission:

Ambry Genetics
Classification: Uncertain significance. Last evaluated: 2022-09-17. Review status: criteria provided, single submitter. Criteria: Ambry Variant Classification Scheme 2023. Collection method: clinical testing. Allele origin: germline.
Comment: The p.N1742K variant (also known as c.5226C>A), located in coding exon 45 of the KIF1B gene, results from a C to A substitution at nucleotide position 5226. The asparagine at codon 1742 is replaced by lysine, an amino acid with similar properties. This amino acid position is conserved. In addition, this alteration is predicted to be tolerated by in silico analysis. Since supporting evidence is limited at this time, the clinical significance of this alteration remains unclear.